The following is an entry in ClinVar:

ClinVar aggregate classification (germline): Likely pathogenic (1 of 4 stars; one submission).

Conditions:
Retinoblastoma (RB1). Also called: RETINOBLASTOMA, SOMATIC. Identifiers: Orphanet 790, MedGen C0035335, MeSH D012175, MONDO:0008380, OMIM 180200, HP:0009919. Disease mechanism: loss of function. Inheritance: Both sporadic and heritable forms are tested..

Submission:

Labcorp Genetics (formerly Invitae), Labcorp
Classification: Likely pathogenic for Retinoblastoma. Last evaluated: 2016-11-07. Review status: criteria provided, single submitter. Criteria: Invitae Variant Classification Sherloc (09022015). Collection method: clinical testing. Allele origin: germline.
Comment: In summary, this variant is a rare in-frame deletion that is present in a retinoblastoma patient and disrupts an essential domain in the RB1 protein. This evidence indicates that the variant is pathogenic, but additional data is needed to prove that conclusively. Therefore, this variant has been classified as Likely Pathogenic. This variant removes a portion of the A-box domain of the "pocket" of RB1 (AAs 380‚Äì785) (PMID: 9495340, 12502741), which is critical for RB1 interactions with downstream factors such as E2F (PMID: 8756645,¬†12502741, 1534305). This variant has been reported in an individual affected with retinoblastoma with (PMID: 16127685). An in-frame deletion of exon 14 deletion has also been observed in two members of a family affected with retinoblastoma (PMID:, 21654082). This variant is a gross deletion of the genomic region encompassing exons 14-17 ¬†of the RB1 gene. This leads to an in-frame deletion, preserving the integrity of the reading frame.

Literature cited by the submitters: PubMed 9495340; PubMed 12502741; PubMed 8756645; PubMed 16127685.

NC_000013.10:g.(?_48953724)_(48955585_?)del

Gene: RB1 (RB transcriptional corepressor 1; plus strand). Cytogenetic location: 13q14.2.
Variant type: Deletion.
Identifiers: ClinVar variation 1067875 (VCV001067875.7).